The following is an entry in ClinVar:

NM_001367823.1(ARHGEF18):c.3074A>G (p.Lys1025Arg)

Gene: ARHGEF18 (Rho/Rac guanine nucleotide exchange factor 18; plus strand). Cytogenetic location: 19p13.2.
Variant type: single nucleotide variant.
Coding change: c.3074A>G on transcript NM_001367823.1 (MANE Select); coding-DNA position 3074, A replaced by G.
Protein change: p.Lys1025Arg; replaces lysine 1025 with arginine.
Molecular consequence: missense variant.
Genome position (GRCh38, 1-based): chr19:7,467,278, A>G. VCF-style: chr19-7467278-A-G. GRCh37 (hg19) VCF-style: chr19-7532164-A-G.
Other names: c.2348A>G, p.Lys783Arg (NM_001130955.2); c.2036A>G, p.Lys679Arg (NM_001367824.1, NM_015318.4); short protein forms K679R, K783R, K1025R.
Identifiers: ClinVar variation 934251 (VCV000934251.9), dbSNP rs756415148, ClinGen allele CA9137110.
Genomic context (GRCh38, chr19:7,467,278, plus strand): 5'-TAATCGCCCACCAGGACAGCTATGTGGAGACGCAGCGGGCTGCCATCCAGGAGCGGGAGA[A>G]GCAGTTCCGGCTGCAGTCGACGCGTGGGAACCTGCTGCTGGAGCAGGAGCGGCAACGCAA-3'
Protein context (NP_001354752.1, residues 1015-1035): TQRAAIQERE[Lys1025Arg]QFRLQSTRGN

ClinVar aggregate classification (germline): Uncertain significance. Review status: criteria provided, multiple submitters, no conflicts (2 of 4 stars). 3 submissions from 3 submitters: Uncertain significance (3). Last evaluated 2025-01-20.

Conditions:
Inborn genetic diseases. Identifiers: MedGen C0950123, MeSH D030342.

Allele frequency attached by ClinVar (database versions not stated): ExAC below 0.00001; gnomAD exomes 0.00002; gnomAD 0.00005 and 0.00006; TOPMed 0.00005.
gnomAD v4.1: 134 of 1,554,564 alleles (0.0086%); highest among the groups gnomAD compares: Non-Finnish European, 0.011%; no homozygotes.

Submissions (3):

Ambry Genetics
Classification: Uncertain significance for Inborn genetic diseases. Last evaluated: 2025-01-20. Review status: criteria provided, single submitter. Criteria: Ambry Variant Classification Scheme 2023. Collection method: clinical testing. Allele origin: germline.

Blueprint Genetics
Classification: Uncertain significance. Last evaluated: 2024-05-23. Review status: criteria provided, single submitter. Criteria: ACMG Guidelines, 2015. Collection method: clinical testing. Allele origin: germline.

Labcorp Genetics (formerly Invitae), Labcorp
Classification: Uncertain significance. Last evaluated: 2022-08-04. Review status: criteria provided, single submitter. Criteria: Invitae Variant Classification Sherloc (09022015). Collection method: clinical testing. Allele origin: germline.
Comment: This sequence change replaces lysine, which is basic and polar, with arginine, which is basic and polar, at codon 837 of the ARHGEF18 protein (p.Lys837Arg). This variant is present in population databases (rs756415148, gnomAD 0.006%). This variant has not been reported in the literature in individuals affected with ARHGEF18-related conditions. ClinVar contains an entry for this variant (Variation ID: 934251). Algorithms developed to predict the effect of missense changes on protein structure and function output the following: SIFT: "Deleterious"; PolyPhen-2: "Benign"; Align-GVGD: "Class C25". The arginine amino acid residue is found in multiple mammalian species, which suggests that this missense change does not adversely affect protein function. In summary, the available evidence is currently insufficient to determine the role of this variant in disease. Therefore, it has been classified as a Variant of Uncertain Significance.